The following is an entry in ClinVar:

NM_001080508.3(TBX18):c.947G>A (p.Arg316His)

Gene: TBX18 (T-box transcription factor 18; minus strand). Cytogenetic location: 6q14.3.
Variant type: single nucleotide variant.
Coding change: c.947G>A on transcript NM_001080508.3 (MANE Select); coding-DNA position 947, G replaced by A.
Protein change: p.Arg316His; replaces arginine 316 with histidine.
Molecular consequence: missense variant.
Genome position (GRCh38, 1-based): chr6:84,744,318, C>T on the plus strand (G>A on the coding strand, the complement: TBX18 is on the minus strand). VCF-style: chr6-84744318-C-T. GRCh37 (hg19) VCF-style: chr6-85454036-C-T.
Other names: short protein forms R316H.
Identifiers: ClinVar variation 426233 (VCV000426233.2), dbSNP rs1085307514, ClinGen allele CA364896957.
Genomic context (GRCh38, chr6:84,744,318, plus strand): 5'-CACCTGTTGCGCCCGGAGTCTCGGAAGCCTTTAGCAAATGGATTCCTATCTATCTTCAGG[C>T]GAGTAATCTGCAGAGTAGGAAAAAAAAATATCAAATCTTATATAAATGTCAAGCAAGTTT-3'
Protein context (NP_001073977.1, residues 306-326): VTAYQNQQIT[Arg316His]LKIDRNPFAK

ClinVar aggregate classification (germline): Uncertain significance (1 of 4 stars; one submission).

Allele frequency attached by ClinVar (database versions not stated): gnomAD exomes 0.00001.

Submission:

GeneDx
Classification: Uncertain significance. Last evaluated: 2017-04-25. Review status: criteria provided, single submitter. Criteria: GeneDx Variant Classification (06012015). Collection method: clinical testing. Allele origin: germline. Affected: yes.
Comment: The R316H variant in the TBX18 gene has not been reported previously as a pathogenic variant, nor as a benign variant, to our knowledge. The R316H variant is not observed in large population cohorts (Lek et al., 2016; 1000 Genomes Consortium et al., 2015; Exome Variant Server). The R316H variant is a conservative amino acid substitution, which is not likely to impact secondary protein structure as these residues share similar properties. However, this substitution occurs at a position that is conserved across species, and in silico analysis predicts this variant is probably damaging to the protein structure/function. We interpret R316H as a variant of uncertain significance.